The following is an entry in ClinVar:

ClinVar aggregate classification (germline): Uncertain significance. Review status: criteria provided, multiple submitters, no conflicts (2 of 4 stars). 2 submissions from 2 submitters: Uncertain significance (2). Last evaluated 2026-09-01.

Conditions:
SEMA3C-related disorder. Also called: SEMA3C-related condition.

gnomAD v4.1: 18 of 1,613,400 alleles (0.0011%); highest among the groups gnomAD compares: Middle Eastern, 0.016%; no homozygotes.

Submissions (2):

PreventionGenetics, part of Exact Sciences
Classification: Uncertain significance for SEMA3C-related condition. Last evaluated: 2026-09-01. Review status: criteria provided, single submitter. Criteria: ACMG Guidelines, 2015. Collection method: clinical testing. Allele origin: germline.
Comment: The SEMA3C c.398T>A variant is predicted to result in the amino acid substitution p.Phe133Tyr. To our knowledge, this variant has not been reported in the literature. This variant is reported in 0.0035% of alleles in individuals of European (Non-Finnish) descent in gnomAD. At this time, the clinical significance of this variant is uncertain due to the absence of conclusive functional and genetic evidence.

Ambry Genetics
Classification: Uncertain significance. Last evaluated: 2024-09-05. Review status: criteria provided, single submitter. Criteria: Ambry Variant Classification Scheme 2023. Collection method: clinical testing. Allele origin: germline.

NM_006379.5(SEMA3C):c.344T>A (p.Phe115Tyr)

Gene: SEMA3C (semaphorin 3C; minus strand). Cytogenetic location: 7q21.11.
Variant type: single nucleotide variant.
Coding change: c.344T>A on transcript NM_006379.5 (MANE Select); coding-DNA position 344, T replaced by A.
Protein change: p.Phe115Tyr; replaces phenylalanine 115 with tyrosine.
Molecular consequence: missense variant.
Genome position (GRCh38, 1-based): chr7:80,818,402, A>T on the plus strand (T>A on the coding strand, the complement: SEMA3C is on the minus strand). VCF-style: chr7-80818402-A-T. GRCh37 (hg19) VCF-style: chr7-80447718-A-T.
Other names: c.398T>A (NM_001350120.1); c.398T>A, p.Phe133Tyr (NM_001350120.2); c.170T>A, p.Phe57Tyr (NM_001350121.2); short protein forms F57Y, F115Y, F133Y.
Identifiers: ClinVar variation 3439424 (VCV003439424.2).